The following is an entry in ClinVar:

ClinVar aggregate classification (germline): Likely benign. Review status: criteria provided, multiple submitters, no conflicts (2 of 4 stars). 4 submissions from 4 submitters: Likely benign (4). Last evaluated 2025-10-07.

Conditions:
CRB1-related disorder. Also called: CRB1-related condition; CRB1-related disorders.
Leber congenital amaurosis 8 (LCA8). Identifiers: Orphanet 65, MedGen C3151202, MONDO:0013453, OMIM 613835.
Retinitis pigmentosa 12 (RP12). Also called: RP WITH OR WITHOUT PRESERVED PARAARTERIOLE RETINAL PIGMENT EPITHELIUM; RETINITIS PIGMENTOSA WITH OR WITHOUT PARAARTERIOLAR PRESERVATION OF RETINAL PIGMENT EPITHELIUM; RP WITH OR WITHOUT PPRPE. Identifiers: Orphanet 791, MedGen C1838647, MONDO:0010818, OMIM 600105.
Retinal dystrophy. Also called: Inherited retinal dystrophy. Identifiers: Orphanet 71862, MedGen C0854723, MeSH D058499, MONDO:0019118, HP:0000556.

Allele frequency attached by ClinVar (database versions not stated): TOPMed 0.00008; gnomAD 0.00009 and 0.00011; ExAC 0.00019; gnomAD exomes 0.00019; 1000 Genomes Project 30x 0.00031; 1000 Genomes Project 0.00040.
gnomAD v4.1: 72 of 1,599,386 alleles (0.0045%); highest among the groups gnomAD compares: East Asian, 0.13%; no homozygotes.

Submissions (4):

Labcorp Genetics (formerly Invitae), Labcorp
Classification: Likely benign for Leber congenital amaurosis 8; Retinitis pigmentosa 12. Last evaluated: 2025-10-07. Review status: criteria provided, single submitter. Criteria: Invitae Variant Classification Sherloc (09022015). Collection method: clinical testing. Allele origin: germline.

PreventionGenetics, part of Exact Sciences
Classification: Likely benign for CRB1-related condition. Last evaluated: 2025-05-09. Review status: criteria provided, single submitter. Criteria: ACMG Guidelines, 2015. Collection method: clinical testing. Allele origin: germline.
Comment: This variant is classified as likely benign based on ACMG/AMP sequence variant interpretation guidelines (Richards et al. 2015 PMID: 25741868, with internal and published modifications).

Dept Of Ophthalmology, Nagoya University
Classification: Likely benign for Retinal dystrophy. Last evaluated: 2023-10-01. Review status: criteria provided, single submitter. Criteria: Submitter's publication. Collection method: research. Allele origin: germline. Affected: yes.

Blueprint Genetics
Classification: Likely benign. Last evaluated: 2023-07-13. Review status: criteria provided, single submitter. Criteria: ACMG Guidelines, 2015. Collection method: clinical testing. Allele origin: germline.

NM_201253.3(CRB1):c.1189G>C (p.Asp397His)

Gene: CRB1 (crumbs cell polarity complex component 1; plus strand). Cytogenetic location: 1q31.3.
Variant type: single nucleotide variant.
Coding change: c.1189G>C on transcript NM_201253.3 (MANE Select); coding-DNA position 1189, G replaced by C.
Protein change: p.Asp397His; replaces aspartic acid 397 with histidine.
Molecular consequence: missense variant. On other transcripts: non-coding transcript variant (2).
Genome position (GRCh38, 1-based): chr1:197,421,017, G>C. VCF-style: chr1-197421017-G-C. GRCh37 (hg19) VCF-style: chr1-197390147-G-C.
Other names: c.853G>C, p.Asp285His (NM_001193640.2); c.982G>C, p.Asp328His (NM_001257965.2); c.1189G>C, p.Asp397His (NM_001257966.2); c.1189G>C (NM_201253.2); short protein forms D285H, D328H, D397H.
Identifiers: ClinVar variation 1141221 (VCV001141221.12), dbSNP rs114264441, ClinGen allele CA1311882.